The following is an entry in ClinVar:

NM_001367721.1(CASK):c.334G>A (p.Val112Met)

Gene: CASK (calcium/calmodulin dependent serine protein kinase; minus strand). Cytogenetic location: Xp11.4.
Variant type: single nucleotide variant.
Coding change: c.334G>A on transcript NM_001367721.1 (MANE Select); coding-DNA position 334, G replaced by A.
Protein change: p.Val112Met; replaces valine 112 with methionine.
Molecular consequence: missense variant.
Genome position (GRCh38, 1-based): chrX:41,745,546, C>T on the plus strand (G>A on the coding strand, the complement: CASK is on the minus strand). VCF-style: chrX-41745546-C-T. GRCh37 (hg19) VCF-style: chrX-41604799-C-T.
Other names: c.334G>A, p.Val112Met (NM_001126054.3, NM_001126055.3, NM_001410745.1 and 1 more transcripts); short protein forms V112M.
Identifiers: ClinVar variation 1513691 (VCV001513691.8), dbSNP rs2147736091, ClinGen allele CA413003018.

ClinVar aggregate classification (germline): Uncertain significance (1 of 4 stars; one submission).

Conditions:
Intellectual disability, CASK-related, X-linked. Identifiers: MedGen CN043158.

Submission:

Labcorp Genetics (formerly Invitae), Labcorp
Classification: Uncertain significance for Intellectual disability, CASK-related, X-linked. Last evaluated: 2022-11-22. Review status: criteria provided, single submitter. Criteria: Invitae Variant Classification Sherloc (09022015). Collection method: clinical testing. Allele origin: germline.
Comment: Advanced modeling of protein sequence and biophysical properties (such as structural, functional, and spatial information, amino acid conservation, physicochemical variation, residue mobility, and thermodynamic stability) has been performed at Invitae for this missense variant, however the output from this modeling did not meet the statistical confidence thresholds required to predict the impact of this variant on CASK protein function. In summary, the available evidence is currently insufficient to determine the role of this variant in disease. Therefore, it has been classified as a Variant of Uncertain Significance. ClinVar contains an entry for this variant (Variation ID: 1513691). This variant has not been reported in the literature in individuals affected with CASK-related conditions. This variant is not present in population databases (gnomAD no frequency). This sequence change replaces valine, which is neutral and non-polar, with methionine, which is neutral and non-polar, at codon 112 of the CASK protein (p.Val112Met).